The following is an entry in ClinVar:

ClinVar aggregate classification (germline): Uncertain significance (1 of 4 stars; one submission).

Conditions:
Familial adenomatous polyposis 1 (FAP1). Also called: POLYPOSIS, ADENOMATOUS INTESTINAL; FAMILIAL ADENOMATOUS POLYPOSIS 1, ATTENUATED. Identifiers: MedGen C2713442, MONDO:0021056, OMIM 175100. Disease mechanism: loss of function.

Submission:

Labcorp Genetics (formerly Invitae), Labcorp
Classification: Uncertain significance for Familial adenomatous polyposis 1. Last evaluated: 2021-07-16. Review status: criteria provided, single submitter. Criteria: Invitae Variant Classification Sherloc (09022015). Collection method: clinical testing. Allele origin: germline.
Comment: In summary, the available evidence is currently insufficient to determine the role of this variant in disease. Therefore, it has been classified as a Variant of Uncertain Significance. Algorithms developed to predict the effect of missense changes on protein structure and function (SIFT, PolyPhen-2, Align-GVGD) all suggest that this variant is likely to be tolerated, but these predictions have not been confirmed by published functional studies and their clinical significance is uncertain. This variant has not been reported in the literature in individuals with APC-related disease. This variant is not present in population databases (ExAC no frequency). This sequence change replaces glutamic acid with glycine at codon 1889 of the APC protein (p.Glu1889Gly). The glutamic acid residue is moderately conserved and there is a moderate physicochemical difference between glutamic acid and glycine.

NM_000038.6(APC):c.5666A>G (p.Glu1889Gly)

Gene: APC (APC regulator of Wnt signaling pathway; plus strand). Cytogenetic location: 5q22.2.
Variant type: single nucleotide variant.
Coding change: c.5666A>G on transcript NM_000038.6 (MANE Select); coding-DNA position 5666, A replaced by G.
Protein change: p.Glu1889Gly; replaces glutamic acid 1889 with glycine.
Molecular consequence: missense variant.
Genome position (GRCh38, 1-based): chr5:112,841,260, A>G. VCF-style: chr5-112841260-A-G. GRCh37 (hg19) VCF-style: chr5-112176957-A-G.
Other names: c.5666A>G, p.Glu1889Gly (NM_001127510.3, NM_001354895.2); c.5612A>G, p.Glu1871Gly (NM_001127511.3); c.5720A>G, p.Glu1907Gly (NM_001354896.2); c.5696A>G, p.Glu1899Gly (NM_001354897.2); c.5591A>G, p.Glu1864Gly (NM_001354898.2); c.5582A>G, p.Glu1861Gly (NM_001354899.2); c.5543A>G, p.Glu1848Gly (NM_001354900.2); c.5489A>G, p.Glu1830Gly (NM_001354901.2); and 5 more; short protein forms E1763G, E1788G, E1830G, E1907G, E1606G, E1729G, E1864G, E1871G.
Identifiers: ClinVar variation 653946 (VCV000653946.10), dbSNP rs1580662288, ClinGen allele CA16033739.